The following is an entry in ClinVar:

NM_000535.7(PMS2):c.1717A>G (p.Thr573Ala)

Gene: PMS2 (PMS1 homolog 2, mismatch repair system component; minus strand). Cytogenetic location: 7p22.1.
Variant type: single nucleotide variant.
Coding change: c.1717A>G on transcript NM_000535.7 (MANE Select); coding-DNA position 1717, A replaced by G.
Protein change: p.Thr573Ala; replaces threonine 573 with alanine.
Molecular consequence: missense variant. On other transcripts: non-coding transcript variant (1).
Genome position (GRCh38, 1-based): chr7:5,987,048, T>C on the plus strand (A>G on the coding strand, the complement: PMS2 is on the minus strand). VCF-style: chr7-5987048-T-C. GRCh37 (hg19) VCF-style: chr7-6026679-T-C.
Other names: c.1312A>G, p.Thr438Ala (NM_001018040.1, NM_001322003.2, NM_001322004.2 and 17 more transcripts); c.1561A>G, p.Thr521Ala (NM_001322006.2, NM_001406870.1); c.1399A>G, p.Thr467Ala (NM_001322007.2, NM_001322008.2, NM_001406876.1 and 2 more transcripts); c.1156A>G, p.Thr386Ala (NM_001322010.2, NM_001406906.1, NM_001406907.1); c.784A>G, p.Thr262Ala (NM_001322011.2, NM_001322012.2); c.1144A>G, p.Thr382Ala (NM_001322013.2, NM_001406909.1); c.1717A>G, p.Thr573Ala (NM_001322014.2, NM_001406871.1, NM_001406872.1); c.1408A>G, p.Thr470Ala (NM_001322015.2, NM_001406875.1, NM_001406877.1 and 5 more transcripts); and 12 more; short protein forms T382A, T461A, T465A, T262A, T316A, T418A, T438A, T517A.
Identifiers: ClinVar variation 2014022 (VCV002014022.6), dbSNP rs63751211, ClinGen allele CA045331.

ClinVar aggregate classification (germline): Uncertain significance. Review status: criteria provided, multiple submitters, no conflicts (2 of 4 stars). 2 submissions from 2 submitters: Uncertain significance (2). Last evaluated 2026-01-10.

Conditions:
Hereditary nonpolyposis colorectal neoplasms. Identifiers: MedGen C0009405, MeSH D003123.
Hereditary cancer-predisposing syndrome. Also called: Hereditary Cancer Syndrome; Neoplastic Syndromes, Hereditary; Hereditary neoplastic syndrome; Tumor predisposition. Identifiers: Orphanet 140162, MedGen C0027672, MeSH D009386, MONDO:0015356.

Submissions (2):

Labcorp Genetics (formerly Invitae), Labcorp
Classification: Uncertain significance for Hereditary nonpolyposis colorectal neoplasms. Last evaluated: 2026-01-10. Review status: criteria provided, single submitter. Criteria: Invitae Variant Classification Sherloc (09022015). Collection method: clinical testing. Allele origin: germline.
Comment: This sequence change replaces threonine, which is neutral and polar, with alanine, which is neutral and non-polar, at codon 573 of the PMS2 protein (p.Thr573Ala). This variant is present in population databases (rs63751211, gnomAD 0.0009%). This variant has not been reported in the literature in individuals affected with PMS2-related conditions. ClinVar contains an entry for this variant (Variation ID: 2014022). Invitae Evidence Modeling incorporating data from in vitro experimental studies (internal data) indicates that this missense variant is not expected to disrupt PMS2 function with a negative predictive value of 95%. In summary, the available evidence is currently insufficient to determine the role of this variant in disease. Therefore, it has been classified as a Variant of Uncertain Significance.

Color Diagnostics, LLC DBA Color Health
Classification: Uncertain significance for Hereditary cancer-predisposing syndrome. Last evaluated: 2022-10-10. Review status: criteria provided, single submitter. Criteria: ACMG Guidelines, 2015. Collection method: clinical testing. Allele origin: germline.
Comment: This missense variant replaces threonine with alanine at codon 573 of the PMS2 protein. Computational prediction suggests that this variant may not impact protein structure and function (internally defined REVEL score threshold <= 0.5, PMID: 27666373). To our knowledge, functional studies have not been reported for this variant. This variant has not been reported in individuals affected with hereditary cancer in the literature. This variant has been identified in 1/251368 chromosomes in the general population by the Genome Aggregation Database (gnomAD). The available evidence is insufficient to determine the role of this variant in disease conclusively. Therefore, this variant is classified as a Variant of Uncertain Significance.